The following is an entry in ClinVar:

ClinVar aggregate classification (germline): Uncertain significance (1 of 4 stars; one submission).

Conditions:
Periodic fever-infantile enterocolitis-autoinflammatory syndrome. Also called: Autoinflammation with infantile enterocolitis. Identifiers: Orphanet 436166, MedGen C4015067, MONDO:0014472, OMIM 616050.
Familial cold autoinflammatory syndrome 4 (FCAS4). Identifiers: Orphanet 47045, Orphanet 576349, MedGen C4015276, MONDO:0014498, OMIM 616115.

Allele frequency attached by ClinVar (database versions not stated): gnomAD exomes below 0.00001 and 0.00001; TOPMed below 0.00001; gnomAD 0.00001; ExAC 0.00002.
gnomAD v4.1: 5 of 1,614,018 alleles (0.00031%); highest among the groups gnomAD compares: Non-Finnish European, 0.00042%; no homozygotes.

Submission:

Labcorp Genetics (formerly Invitae), Labcorp
Classification: Uncertain significance for Periodic fever-infantile enterocolitis-autoinflammatory syndrome; Familial cold autoinflammatory syndrome 4. Last evaluated: 2025-10-21. Review status: criteria provided, single submitter. Criteria: Invitae Variant Classification Sherloc (09022015). Collection method: clinical testing. Allele origin: germline.
Comment: This sequence change replaces arginine, which is basic and polar, with histidine, which is basic and polar, at codon 270 of the NLRC4 protein (p.Arg270His). This variant is present in population databases (rs778359794, gnomAD 0.01%). This variant has not been reported in the literature in individuals affected with NLRC4-related conditions. ClinVar contains an entry for this variant (Variation ID: 963567). Invitae Evidence Modeling of protein sequence and biophysical properties (such as structural, functional, and spatial information, amino acid conservation, physicochemical variation, residue mobility, and thermodynamic stability) indicates that this missense variant is not expected to disrupt NLRC4 protein function with a negative predictive value of 80%. In summary, the available evidence is currently insufficient to determine the role of this variant in disease. Therefore, it has been classified as a Variant of Uncertain Significance.

NM_001199138.2(NLRC4):c.809G>A (p.Arg270His)

Gene: NLRC4 (NLR family CARD domain containing 4; minus strand). Cytogenetic location: 2p22.3.
Variant type: single nucleotide variant.
Coding change: c.809G>A on transcript NM_001199138.2 (MANE Select); coding-DNA position 809, G replaced by A.
Protein change: p.Arg270His; replaces arginine 270 with histidine.
Molecular consequence: missense variant. On other transcripts: intron variant (1).
Genome position (GRCh38, 1-based): chr2:32,251,055, C>T on the plus strand (G>A on the coding strand, the complement: NLRC4 is on the minus strand). VCF-style: chr2-32251055-C-T. GRCh37 (hg19) VCF-style: chr2-32476124-C-T.
Other names: c.809G>A, p.Arg270His (NM_001199139.2, NM_021209.5); c.262+1364G>A (NM_001302504.1); short protein forms R270H.
Identifiers: ClinVar variation 963567 (VCV000963567.7), dbSNP rs778359794, ClinGen allele CA1602086.
Genomic context (GRCh38, chr2:32,251,055, plus strand): 5'-AACTGCCGTATGTGCCTCAGGCACTCAGTGGTAGTGGTGACGATGACCATGTTCTTGAAG[C>T]GGTGGTTTTCCTTTATCAGGGCTTCGATTTCTGGGCAGTTCTGGGGCTTGAATTCATTGT-3'
Protein context (NP_001186067.1, residues 260-280): EIEALIKENH[Arg270His]FKNMVIVTTT